The following is an entry in ClinVar:

ClinVar aggregate classification (germline): Uncertain significance (1 of 4 stars; one submission).

Conditions:
Cystic fibrosis (CF). Also called: MUCOVISCIDOSIS. Identifiers: Orphanet 586, MedGen C0010674, MONDO:0009061, OMIM 219700. Disease mechanism: loss of function.

Submission:

Ambry Genetics
Classification: Uncertain significance for Cystic fibrosis. Last evaluated: 2025-06-03. Review status: criteria provided, single submitter. Criteria: Ambry Variant Classification Scheme 2023. Collection method: clinical testing. Allele origin: germline.
Comment: The p.F1413S variant (also known as c.4238T>C), located in coding exon 26 of the CFTR gene, results from a T to C substitution at nucleotide position 4238. The phenylalanine at codon 1413 is replaced by serine, an amino acid with highly dissimilar properties. This amino acid position is conserved. In addition, this alteration is predicted to be deleterious by in silico analysis. Based on the available evidence, the clinical significance of this variant remains unclear.

NM_000492.4(CFTR):c.4238T>C (p.Phe1413Ser)

Gene: CFTR (CF transmembrane conductance regulator; plus strand). Cytogenetic location: 7q31.2.
Variant type: single nucleotide variant.
Coding change: c.4238T>C on transcript NM_000492.4 (MANE Select); coding-DNA position 4238, T replaced by C.
Protein change: p.Phe1413Ser; replaces phenylalanine 1413 with serine.
Molecular consequence: missense variant.
Genome position (GRCh38, 1-based): chr7:117,665,560, T>C. VCF-style: chr7-117665560-T-C. GRCh37 (hg19) VCF-style: chr7-117305614-T-C.
Other names: short protein forms F1413S.
Identifiers: ClinVar variation 4001883 (VCV004001883.1).